The following is an entry in ClinVar:

NM_181523.3(PIK3R1):c.1422_1425+1del

Gene: PIK3R1 (phosphoinositide-3-kinase regulatory subunit 1; plus strand). Cytogenetic location: 5q13.1.
Variant type: Deletion.
Coding change: c.1422_1425+1del on transcript NM_181523.3 (MANE Select); coding-DNA position 1422 through the canonical splice donor site of the intron after coding-DNA position 1425, 5 bases deleted (CCAGG; older notation c.1422_1425+1delCCAGG).
Molecular consequence: splice donor variant.
Genome position (GRCh38, 1-based): chr5:68,293,831-68,293,835, CCAGG deleted. VCF-style (leftmost placement, unchanged base first): chr5-68293830-CCCAGG-C. GRCh37 (hg19) VCF-style: chr5-67589658-CCCAGG-C.
Other names: c.522_525+1del (NM_181524.2); c.612_615+1del (NM_181504.4); c.333_336+1del (NM_001242466.2).
Identifiers: ClinVar variation 827733 (VCV000827733.2), dbSNP rs1580262965, ClinGen allele CA915943354.
Genomic context (GRCh38, chr5:68,293,830, plus strand): 5'-CTCAGTTTCAAGAAAAAAGTCGAGAATATGATAGATTATATGAAGAATATACCCGCACAT[CCCAGG>C]TGAGTTTTCTATGAAAATCAGATTAAAAAATAAGAGTTCTAAACTTTTAAAGACTAACAT-3'

ClinVar aggregate classification (germline): Pathogenic. Review status: reviewed by expert panel (3 of 4 stars). 2 submissions from 2 submitters: Pathogenic (1). 1 of the submissions does not count toward it. Last evaluated 2026-05-19.

Conditions:
PIK3R1-related immunodeficiency and SHORT syndrome. Identifiers: MedGen CN379774, MONDO:1060136.
Inherited Immunodeficiency Diseases. Identifiers: MedGen C5197805, MeSH D000081207.

Submissions (2):

ClinGen Primary Immune Regulatory Disorders Variant Curation Expert Panel, ClinGen
Classification: Pathogenic for PIK3R1-related immunodeficiency and SHORT syndrome. Last evaluated: 2026-05-19. Review status: reviewed by expert panel. Criteria: ClinGen AbDef ACMG Specifications PIK3R1 V1.0.0. Collection method: curation. Allele origin: germline. Inheritance: Autosomal dominant inheritance.
Comment: NM_181523.3(PIK3R1):c.1422_1425+1del is a 5-nucleotide deletion that removes 1 nucleotide from intron 11 (including the canonical splice donor site) and 4 nucleotides from exon 11, which is predicted to cause in-frame skipping of exon 11 or usage of a cryptic splice site, indicating that the variant disrupts protein function (PVS1_Strong). Another splicing variant in the same +1/+2 dinucleotide in intron 11, NM_181523.3(PIK3R1):c.1425+1G>A (PMID: 25488983), has been classified as pathogenic for PIK3R1 immunodeficiency with SHORT syndrome by the ClinGen Antibody Deficiencies VCEP (PS1). This variant is absent from gnomAD v4.1.0 (PM2_Supporting). At least one patient with the variant had a phenotype that included B lymphocytopenia (0.5 pts), an elevated proportion of CD4-negative, CD8-negative, alpha-beta regulatory T cells, deficiency of IgA, IgG and IgM (0.5 pts), lymphoma (2 pts), and recurrent bacterial infections (4 pts), with genotyping by whole exome sequencing not identifying an alternative basis for disease in the PIK3CD locus, satisfying the requirement for inclusion in PS4 (7 total points, ClinVar submission SCV001190184.1, PS4_Supporting). In summary, this variant meets the criteria to be classified as pathogenic for autosomal dominant PIK3R1-related immunodeficiency and SHORT syndrome based on the ACMG/AMP criteria applied, as specified by the ClinGen Antibody Deficiencies VCEP: PVS1_Strong, PS1, PM2_Supporting, and PS4_Supporting. (VCEP specifications version 1.0.0; date of approval 04/29/2026).

NIHR Bioresource Rare Diseases, University of Cambridge
Classification: Pathogenic for Inherited Immunodeficiency Diseases. Last evaluated: 2019-01-01. Review status: criteria provided, single submitter. Criteria: ACMG Guidelines, 2015. Collection method: research. Allele origin: germline. Affected: yes. Observed: 1 heterozygote. Not counted in ClinVar's aggregate classification.